The following is an entry in ClinVar:

NM_152383.5(DIS3L2):c.769A>G (p.Lys257Glu)

Gene: DIS3L2 (DIS3 like 3'-5' exoribonuclease 2; plus strand). Cytogenetic location: 2q37.1.
Variant type: single nucleotide variant.
Coding change: c.769A>G on transcript NM_152383.5 (MANE Select); coding-DNA position 769, A replaced by G.
Protein change: p.Lys257Glu; replaces lysine 257 with glutamic acid.
Molecular consequence: missense variant. On other transcripts: non-coding transcript variant (1).
Genome position (GRCh38, 1-based): chr2:232,136,538, A>G. VCF-style: chr2-232136538-A-G. GRCh37 (hg19) VCF-style: chr2-233001248-A-G.
Other names: c.769A>G, p.Lys257Glu (NM_001257281.2); short protein forms K257E.
Identifiers: ClinVar variation 1975697 (VCV001975697.7), dbSNP rs1394226145, ClinGen allele CA351153547.

ClinVar aggregate classification (germline): Uncertain significance. Review status: criteria provided, multiple submitters, no conflicts (2 of 4 stars). 3 submissions from 3 submitters: Uncertain significance (3). Last evaluated 2026-10-01.

Conditions:
Perlman syndrome (PRLMNS). Identifiers: Orphanet 2849, MedGen C0796113, MONDO:0009965, OMIM 267000.

Allele frequency attached by ClinVar (database versions not stated): gnomAD exomes below 0.00001; gnomAD 0.00001; TOPMed 0.00003.

Submissions (3):

St. Jude Molecular Pathology, St. Jude Children's Research Hospital
Classification: Uncertain significance for Perlman syndrome. Last evaluated: 2026-10-01. Review status: criteria provided, single submitter. Criteria: St. Jude Assertion Criteria 2020. Collection method: clinical testing. Allele origin: germline.
Comment: The DIS3L2 c.769A>G p.(Lys257Glu) miss ense change has a maximum subpopulation frequency of 0.008% in gnomAD v2.1.1. The in silico tool REVEL predicts a benign effect on protein function, but to our knowledge this prediction has not been confirmed by funct ional studies. To our knowledge, this variant has not been reported in individuals with DIS3L2-associated conditions. In summary, the evidence currently available is insufficient to determine the clinical significance of this variant. It has therefore been classified as of uncertain significance.

Labcorp Genetics (formerly Invitae), Labcorp
Classification: Uncertain significance for Perlman syndrome. Last evaluated: 2024-01-24. Review status: criteria provided, single submitter. Criteria: Invitae Variant Classification Sherloc (09022015). Collection method: clinical testing. Allele origin: germline.
Comment: This sequence change replaces lysine, which is basic and polar, with glutamic acid, which is acidic and polar, at codon 257 of the DIS3L2 protein (p.Lys257Glu). This variant is present in population databases (no rsID available, gnomAD 0.008%). This variant has not been reported in the literature in individuals affected with DIS3L2-related conditions. ClinVar contains an entry for this variant (Variation ID: 1975697). An algorithm developed to predict the effect of missense changes on protein structure and function (PolyPhen-2) suggests that this variant is likely to be disruptive. In summary, the available evidence is currently insufficient to determine the role of this variant in disease. Therefore, it has been classified as a Variant of Uncertain Significance.

GeneDx
Classification: Uncertain significance. Last evaluated: 2023-07-20. Review status: criteria provided, single submitter. Criteria: GeneDx Variant Classification Process June 2021. Collection method: clinical testing. Allele origin: germline. Affected: yes.
Comment: In silico analysis supports that this missense variant does not alter protein structure/function; Has not been previously published as pathogenic or benign to our knowledge